The following is an entry in ClinVar:

ClinVar aggregate classification (germline): Uncertain significance. Review status: criteria provided, multiple submitters, no conflicts (2 of 4 stars). 2 submissions from 2 submitters: Uncertain significance (2). Last evaluated 2025-07-14.

Conditions:
Hereditary cancer-predisposing syndrome. Also called: Neoplastic Syndromes, Hereditary; Hereditary Cancer Syndrome; Tumor predisposition; Hereditary neoplastic syndrome. Identifiers: Orphanet 140162, MedGen C0027672, MeSH D009386, MONDO:0015356.
Ataxia-telangiectasia syndrome (AT). Also called: LOUIS-BAR SYNDROME; Cerebello-oculocutaneous telangiectasia; Immunodeficiency with ataxia telangiectasia; Ataxia-telangiectasia, complementation group D; AT, COMPLEMENTATION GROUP C; Ataxia-telangiectasia, complementation group E. Identifiers: Orphanet 100, MedGen C0004135, MONDO:0008840, OMIM 208900.

Submissions (2):

Labcorp Genetics (formerly Invitae), Labcorp
Classification: Uncertain significance for Ataxia-telangiectasia syndrome. Last evaluated: 2025-07-14. Review status: criteria provided, single submitter. Criteria: Invitae Variant Classification Sherloc (09022015). Collection method: clinical testing. Allele origin: germline.
Comment: This sequence change replaces glycine, which is neutral and non-polar, with alanine, which is neutral and non-polar, at codon 2772 of the ATM protein (p.Gly2772Ala). This variant is not present in population databases (gnomAD no frequency). This variant has not been reported in the literature in individuals affected with ATM-related conditions. ClinVar contains an entry for this variant (Variation ID: 482758). Invitae Evidence Modeling of protein sequence and biophysical properties (such as structural, functional, and spatial information, amino acid conservation, physicochemical variation, residue mobility, and thermodynamic stability) has been performed for this missense variant. However, the output from this modeling did not meet the statistical confidence thresholds required to predict the impact of this variant on ATM protein function. In summary, the available evidence is currently insufficient to determine the role of this variant in disease. Therefore, it has been classified as a Variant of Uncertain Significance.

Ambry Genetics
Classification: Uncertain significance for Hereditary cancer-predisposing syndrome. Last evaluated: 2025-04-21. Review status: criteria provided, single submitter. Criteria: Ambry Variant Classification Scheme 2023. Collection method: clinical testing. Allele origin: germline.
Comment: The p.G2772A variant (also known as c.8315G>C), located in coding exon 56 of the ATM gene, results from a G to C substitution at nucleotide position 8315. The glycine at codon 2772 is replaced by alanine, an amino acid with similar properties. This amino acid position is highly conserved in available vertebrate species. In addition, this alteration is predicted to be deleterious by in silico analysis. Based on the available evidence, the clinical significance of this variant remains unclear.

NM_000051.4(ATM):c.8315G>C (p.Gly2772Ala)

Genes: ATM (ATM serine/threonine kinase; plus strand), C11orf65 (chromosome 11 open reading frame 65; minus strand). Cytogenetic location: 11q22.3.
Variant type: single nucleotide variant.
Coding change: c.8315G>C on transcript NM_000051.4 (MANE Select); coding-DNA position 8315, G replaced by C.
Protein change: p.Gly2772Ala; replaces glycine 2772 with alanine.
Molecular consequence: missense variant. On other transcripts: intron variant (2).
Genome position (GRCh38, 1-based): chr11:108,343,268, G>C. VCF-style: chr11-108343268-G-C. GRCh37 (hg19) VCF-style: chr11-108213995-G-C.
Other names: c.8315G>C, p.Gly2772Ala (NM_001351834.2); c.641-34197C>G (NM_001330368.2); c.695-7976C>G (NM_001351110.2); short protein forms G2772A.
Identifiers: ClinVar variation 482758 (VCV000482758.15), dbSNP rs775293524, ClinGen allele CA382516369.
Genomic context (GRCh38, chr11:108,343,268, plus strand): 5'-ATCTGTAACTCCAGGTGGTTCCCCTCTCTCAGCGAAGTGGTGTTCTTGAATGGTGCACAG[G>C]AACTGTCCCCATTGGTGAATTTCTTGTTAACAATGAAGATGGTGCTCATAAAAGATACAG-3'
Protein context (NP_000042.3, residues 2762-2782): QRSGVLEWCT[Gly2772Ala]TVPIGEFLVN